The following is an entry in ClinVar:

ClinVar aggregate classification (germline): Uncertain significance. Review status: criteria provided, multiple submitters, no conflicts (2 of 4 stars). 2 submissions from 2 submitters: Uncertain significance (2). Last evaluated 2022-02-01.

Conditions:
Colorectal cancer, hereditary nonpolyposis, type 7. Identifiers: Orphanet 144, MedGen C1858380, MONDO:0013725, OMIM 614385.

Allele frequency attached by ClinVar (database versions not stated): gnomAD exomes below 0.00001.
gnomAD v4.1: 1 of 1,613,636 alleles (0.000062%); highest among the groups gnomAD compares: Non-Finnish European, 0.000085%; no homozygotes.

Submissions (2):

Ambry Genetics
Classification: Uncertain significance. Last evaluated: 2022-02-01. Review status: criteria provided, single submitter. Criteria: Ambry Variant Classification Scheme 2023. Collection method: clinical testing. Allele origin: germline.
Comment: The p.D1127Y variant (also known as c.3379G>T), located in coding exon 2 of the MLH3 gene, results from a G to T substitution at nucleotide position 3379. The amino acid change results in aspartic acid to tyrosine at codon 1127, an amino acid with highly dissimilar properties. However, this change occurs in the last base pair of coding exon 2, which makes it likely to have some effect on normal mRNA splicing. This nucleotide position is highly conserved in available vertebrate species. This amino acid position is not well conserved in available vertebrate species. In silico splice site analysis predicts that this alteration will weaken the native splice donor site. In addition, the in silico prediction for this alteration is inconclusive. The evidence for this gene-disease relationship is limited; therefore, the clinical significance of this alteration is unclear.

Labcorp Genetics (formerly Invitae), Labcorp
Classification: Uncertain significance for Colorectal cancer, hereditary nonpolyposis, type 7. Last evaluated: 2019-02-19. Review status: criteria provided, single submitter. Criteria: Invitae Variant Classification Sherloc (09022015). Collection method: clinical testing. Allele origin: germline.
Comment: In summary, the available evidence is currently insufficient to determine the role of this variant in disease. Therefore, it has been classified as a Variant of Uncertain Significance. Nucleotide substitutions within the consensus splice site are a relatively common cause of aberrant splicing (PMID: 17576681, 9536098). Algorithms developed to predict the effect of sequence changes on RNA splicing suggest that this variant may disrupt the consensus splice site, but this prediction has not been confirmed by published transcriptional studies. Algorithms developed to predict the effect of missense changes on protein structure and function are either unavailable or do not agree on the potential impact of this missense change (SIFT: "Deleterious"; PolyPhen-2: "Possibly Damaging"; Align-GVGD: "Class C0"). This variant has not been reported in the literature in individuals with MLH3-related conditions. This variant is not present in population databases (ExAC no frequency). This sequence change replaces aspartic acid with tyrosine at codon 1127 of the MLH3 protein (p.Asp1127Tyr). The aspartic acid residue is moderately conserved and there is a large physicochemical difference between aspartic acid and tyrosine. This variant also falls at the last nucleotide of exon 3 of the MLH3 coding sequence, which is part of the consensus splice site for this exon.

Literature cited by the submitters: PubMed 17576681 (cited by Labcorp Genetics (formerly Invitae), Labcorp); PubMed 9536098 (cited by Labcorp Genetics (formerly Invitae), Labcorp).

NM_001040108.2(MLH3):c.3379G>T (p.Asp1127Tyr)

Gene: MLH3 (mutL homolog 3; minus strand). Cytogenetic location: 14q24.3.
Variant type: single nucleotide variant.
Coding change: c.3379G>T on transcript NM_001040108.2 (MANE Select); coding-DNA position 3379, G replaced by T.
Protein change: p.Asp1127Tyr; replaces aspartic acid 1127 with tyrosine.
Molecular consequence: missense variant.
Genome position (GRCh38, 1-based): chr14:75,042,379, C>A on the plus strand (G>T on the coding strand, the complement: MLH3 is on the minus strand). VCF-style: chr14-75042379-C-A. GRCh37 (hg19) VCF-style: chr14-75509082-C-A.
Other names: c.3379G>T, p.Asp1127Tyr (NM_014381.3); short protein forms D1127Y.
Identifiers: ClinVar variation 862886 (VCV000862886.12), dbSNP rs1891914283, ClinGen allele CA390431596.